The following continues an entry in ClinVar:

NM_000535.7(PMS2):c.943C>T (p.Arg315Ter)

Gene: PMS2. ClinVar aggregate classification (germline): Pathogenic. Pathogenic (1).

Submissions 12 to 23 of 23:

Revvity Omics, Revvity
Classification: Pathogenic. Last evaluated: 2022-11-16. Review status: criteria provided, single submitter. Criteria: ACMG Guidelines, 2015. Collection method: clinical testing. Allele origin: germline. Not counted in ClinVar's aggregate classification.

New York Genome Center
Classification: Pathogenic for Lynch syndrome 4. Last evaluated: 2022-11-15. Review status: criteria provided, single submitter. Criteria: NYGC Assertion Criteria 2020. Collection method: clinical testing. Allele origin: inherited. Observed: 1 heterozygote. Study: PrenatalSEQ. Not counted in ClinVar's aggregate classification.
Comment: The c.943C>T variant in PMS2 has previously been reported in individuals or families with lynch syndrome and colon cancer [PMID: 20205264, 22918162, 23709753, 25856668, 27589204, 31297337, 31992580]. This variant was also identified in an asymptomatic carrier from a Lynch syndrome family [PMID: 23709753] and it has been deposited in ClinVar [ClinVar ID: 91382] as Pathogenic. The c.943C>T variant is observed in 14 alleles (~0.0017% minor allele frequency with 0 homozygotes) in population databases (gnomAD v2.1.1 and v3.1.2, TOPMed Freeze 8, All of Us), suggesting it is not a common benign variant in the populations represented in those databases. The c.943C>T variant in PMS2 is located in exon 9 of this 15-exon gene, predicted to incorporate a premature termination codon p.(Arg315Ter), and is expected to result in loss-of-function via nonsense mediated decay. Multiple loss-of-function variants that are downstream to the c.943C>T variant have been reported in the literature [PMID: 31992580] and ClinVar [ClinVar ID: 91299] in individuals with Lynch syndrome. In vitro functional studies demonstrated reduced mismatch repair activity and lack of full length PMS2 protein expression in human embryonic kidney cells (HEK293T) carrying c.943C>T variant [PMID: 25477341]. Based on available evidence this inherited c.943C>T p.(Arg315Ter) variant identified in PMS2 is classified here as Pathogenic.

Laboratory for Molecular Medicine, Mass General Brigham Personalized Medicine
Classification: Pathogenic for Lynch syndrome. Last evaluated: 2021-10-27. Review status: criteria provided, single submitter. Criteria: ACMG Guidelines, 2015. Collection method: clinical testing. Allele origin: germline. Not counted in ClinVar's aggregate classification.
Comment: The p.Arg315X variant in PMS2 has been reported in at least 9 individuals with PMS2-associated cancers and segregated with disease in at least 2 affected individuals from one family (Vaughn 2010 PMID: 20205264, Borras 2013 PMID: 23709753, Sugano 2016 PMID: 27589204, Susswein 2016 PMID: 26681312, Sun 2017 PMID: 28724667, Jiang 2019 PMID: 30521064, Lerner-Ellis 2021 PMID: 32885271, Wang 2020 PMID: 31992580). It has also been identified in 0.01% (1/10366) of Ashkenazi Jewish chromosomes, 0.005% (1/19950) of East Asian chromosomes and 0.004% (1/24956) of Afircan/African-American chromosomes by gnomAD. This nonsense variant leads to a premature termination codon at position 315, which is predicted to lead to a truncated or absent protein. Loss of function of the PMS2 gene is an established disease mechanism in autosomal dominant Lynch syndrome. Additionally, this variant was classified as pathogenic on September 5, 2013 by the ClinGen-approved InSiGHT expert panel (Variation ID 91382). In summary, this variant meets criteria to be classified as pathogenic for autosomal dominant Lynch syndrome. ACMG/AMP Criteria applied: PVS1, PM2_Supporting, PS4_Moderate.

GeneDx
Classification: Pathogenic. Last evaluated: 2021-08-04. Review status: criteria provided, single submitter. Criteria: GeneDx Variant Classification Process June 2021. Collection method: clinical testing. Allele origin: germline. Affected: yes. Not counted in ClinVar's aggregate classification.
Comment: Nonsense variant predicted to result in protein truncation or nonsense mediated decay in a gene for which loss-of-function is a known mechanism of disease; Observed in individuals with MSI-H and/or PMS2 absent colorectal cancer (Vaughn 2010, Borras 2013, Shia 2013, Hinrichsen 2015, Goodenberger 2016, Sugano 2016, Wang 2020); Published functional studies demonstrate a damaging effect: loss of PMS2 expression and reduced MMR activity (Hinrichsen 2015); Truncating variants in this gene are considered pathogenic by a well-established clinical consortium and/or database; This variant is associated with the following publications: (PMID: 32885271, 32719484, 25477341, 23709753, 20205264, 22918162, 25856668, 27589204, 31992580, 31784482, 31297337, 30521064, 26681312, 28724667, 25111426, 26046366, 25430799, 25525159, 25637381)

Sema4
Classification: Pathogenic for Hereditary cancer-predisposing syndrome. Last evaluated: 2020-12-25. Review status: criteria provided, single submitter. Criteria: Sema4 Curation Guidelines. Collection method: curation. Allele origin: germline. Not counted in ClinVar's aggregate classification.
Comment: The PMS2 c.943C>T (p. R315X) variant has been reported in heterozygosity in multiple individuals with colorectal cancer. Immunohistochemical tumor testing showed reduced mismatch repair activity in vitro and absent PMS2 expression (PMID: 20205264, 22918162, 23709753, 25477341, 27589204, 25856668). This variant has also been observed in heterozygosity in individuals with breast cancer (26681312, 28724667, 31784482) and ovarian cancer (31056861). This nonsense variant creates a premature stop codon at residue 315 of the PMS2 protein. Loss of function variants in PMS2 are known to be pathogenic (PMID: 24362816) This variant was observed in 1/10366 chromosomes in the Ashkenazi Jewish population, with no homozygotes, according to the Genome Aggregation Database (PMID: 27535533). This variant has been classified as pathogenic by a ClinGen-approved expert panel. Based on the current evidence available, this variant is interpreted as pathogenic.

Women's Health and Genetics/Laboratory Corporation of America, LabCorp
Classification: Pathogenic for Lynch syndrome. Last evaluated: 2020-01-31. Review status: criteria provided, single submitter. Criteria: LabCorp Variant Classification Summary - May 2015. Collection method: clinical testing. Allele origin: germline. Not counted in ClinVar's aggregate classification.
Comment: Variant summary: PMS2 c.943C>T (p.Arg315X) results in a premature termination codon, predicted to cause a truncation of the encoded protein or absence of the protein due to nonsense mediated decay, which are commonly known mechanisms for disease. Truncations downstream of this position have been classified as pathogenic by our laboratory. The variant allele was found at a frequency of 1.6e-05 in 251270 control chromosomes. c.943C>T has been reported in the literature in individuals affected with Lynch Syndrome or breast cancer (Susswein_2016, Latham_2019). These data indicate that the variant is likely to be associated with disease. Seven clinical diagnostic laboratories have submitted clinical-significance assessments for this variant to ClinVar after 2014 without evidence for independent evaluation. All laboratories classified the variant as pathogenic. Based on the evidence outlined above, the variant was classified as pathogenic.

Fulgent Genetics
Classification: Pathogenic for Mismatch repair cancer syndrome 1; Lynch syndrome 4. Last evaluated: 2018-10-31. Review status: criteria provided, single submitter. Criteria: ACMG Guidelines, 2015. Collection method: clinical testing. Allele origin: unknown. Not counted in ClinVar's aggregate classification.

Quest Diagnostics Nichols Institute San Juan Capistrano
Classification: Pathogenic. Last evaluated: 2017-11-07. Review status: criteria provided, single submitter. Criteria: Quest Diagnostics criteria. Collection method: clinical testing. Allele origin: germline. Not counted in ClinVar's aggregate classification.

Laboratory for Genotyping Development, RIKEN
Classification: Pathogenic for Gastric cancer. Last evaluated: 2021-07-01. Review status: no assertion criteria provided. Collection method: research. Allele origin: germline. Not counted in ClinVar's aggregate classification.

Counsyl
Classification: Pathogenic for Lynch syndrome 4. Last evaluated: 2015-10-02. Review status: no assertion criteria provided. Collection method: clinical testing. Allele origin: unknown. Not counted in ClinVar's aggregate classification.

CSER _CC_NCGL, University of Washington
Classification: Pathogenic for Colorectal cancer, non-polyposis. Last evaluated: 2014-06-01. Review status: no assertion criteria provided. Collection method: research. Allele origin: germline. Inheritance: Autosomal dominant inheritance. Study: ESP 6500 variant annotation. Not counted in ClinVar's aggregate classification.
Comment: Variants classified for the Actionable exomic incidental findings in 6503 participants: challenges of variant classification manuscript

Department of Pathology and Laboratory Medicine, Sinai Health System
Classification: Pathogenic for Malignant tumor of breast. Review status: no assertion criteria provided. Collection method: clinical testing. Allele origin: unknown. Affected: yes. Observed: 1 variant allele. Study: The Canadian Open Genetics Repository (COGR). Not counted in ClinVar's aggregate classification.
Comment: The PMS2 p.Arg315* variant was identified in 5 of 2648 proband chromosomes (frequency: 0.002) from individuals or families with Lynch syndrome (Borras 2013, Goldberg 2015, Goodenberger 2016, Sugano 2016, Vaughn 2010). The variant was also identified in dbSNP (ID: rs200640585) as "With Pathogenic allele", ClinVar (classified as pathogenic by Invitae, Ambry Genetics, GeneDx and four other submitters). The variant was identified in control databases in 6 of 277038 chromosomes at a frequency of 0.00002 (Genome Aggregation Database Feb 27, 2017). The variant was observed in the following populations: African in 1 of 24022 chromosomes (freq: 0.00004), European in 3 of 126694 chromosomes (freq: 0.00002), Ashkenazi Jewish in 1 of 10150 chromosomes (freq: 0.0001), and East Asian in 1 of 18866 chromosomes (freq: 0.00005); it was not observed in the Other, Latino, Finnish, or South Asian populations. The p.Arg315* variant leads to a premature stop codon at position 315, which is predicted to lead to a truncated or absent protein and loss of function. Loss of function variants of the PMS2 gene are an established mechanism of disease in Lynch syndrome and is the type of variant expected to cause the disorder. In summary, based on the above information, this variant meets our laboratoryâ€šÃ„Ã´s criteria to be classified as pathogenic.

Literature cited by the submitters: PubMed 21376568 (cited by Labcorp Genetics (formerly Invitae), Labcorp); PubMed 24362816 (cited by Labcorp Genetics (formerly Invitae), Labcorp and Sema4); PubMed 20205264 (cited by 9 submitters); PubMed 22918162 (cited by 7 submitters); PubMed 23709753 (cited by 9 submitters); PubMed 25856668 (cited by 8 submitters); PubMed 27589204 (cited by 8 submitters); PubMed 30376427 (cited by 4 submitters); PubMed 30521064 (cited by 3 submitters); PubMed 31056861 (cited by Color Diagnostics, LLC DBA Color Health and Ambry Genetics); PubMed 31992580 (cited by 3 submitters); PubMed 34285288 (cited by Color Diagnostics, LLC DBA Color Health and Ambry Genetics); PubMed 25430799 (cited by 3 submitters); PubMed 25477341 (cited by 4 submitters); PubMed 26681312 (cited by 3 submitters); PubMed 28724667 (cited by 3 submitters); PubMed 32012241 (cited by Ambry Genetics); PubMed 32885271 (cited by Ambry Genetics and Laboratory for Molecular Medicine, Mass General Brigham Personalized Medicine); PubMed 31297337 (cited by New York Genome Center); PubMed 3199258 (cited by New York Genome Center); PubMed 36988593 (cited by Laboratory for Genotyping Development, RIKEN); PubMed 25525159 (cited by Counsyl); PubMed 25637381 (cited by Counsyl).